The following is an entry in ClinVar:

NM_003001.5(SDHC):c.242-10_242-9dup

Gene: SDHC (succinate dehydrogenase complex subunit C; plus strand). Cytogenetic location: 1q23.3.
Variant type: Duplication.
Coding change: c.242-10_242-9dup on transcript NM_003001.5 (MANE Select); 10 bases into the intron before coding-DNA position 242 through 9 bases into the intron before coding-DNA position 242, 2 bases duplicated (TT; older notation c.242-10_242-9dupTT).
Molecular consequence: intron variant.
Genome position (GRCh38, 1-based): chr1:161,356,667-161,356,668, TT duplicated; duplicating any 2 consecutive bases within chr1:161,356,665-161,356,668 gives the same sequence; the c. name uses the placement nearest the transcript's 3' end. VCF-style (leftmost placement, unchanged base first): chr1-161356664-G-GTT. GRCh37 (hg19) VCF-style: chr1-161326454-G-GTT.
Other names: c.131-10_131-9dup (NM_001407119.1, NM_001407120.1); c.362-10_362-9dup (NM_001407115.1); c.242-5662_242-5661dup (NM_001035511.3); c.140-10_140-9dup (NM_001035512.3); c.140-5662_140-5661dup (NM_001278172.3); c.134-10_134-9dup (NM_001407118.1); c.185-10_185-9dup (NM_001407116.1); c.185-5662_185-5661dup (NM_001407121.1); and 2 more.
Identifiers: ClinVar variation 3904534 (VCV003904534.1).
Genomic context (GRCh38, chr1:161,356,664, plus strand): 5'-GGTCCCAGTTTTATGTATCATATTAGTTGTAACTTATGAGCAGCTGTGACAAGCTACTTG[G>GTT]TTTTCTCCTCAGGGGTCTCTCTTTTTGGCATGTCGGCCCTGTTACTCCCTGGGAACTTTG-3'

ClinVar aggregate classification (germline): Likely benign (1 of 4 stars; one submission).

Conditions:
Pheochromocytoma/paraganglioma syndrome 3. Also called: GLOMUS TUMORS, FAMILIAL, 3; Paragangliomas 3; SDHC-Related Hereditary Paraganglioma-Pheochromocytoma Syndrome (Paragangliomas 3); SDHC-Related Hereditary Paraganglioma-Pheochromocytoma Syndrome. Identifiers: Orphanet 29072, MedGen C1854336, MONDO:0011544, OMIM 605373.

Submission:

Myriad Genetics, Inc.
Classification: Likely benign for Pheochromocytoma/paraganglioma syndrome 3. Last evaluated: 2025-03-14. Review status: criteria provided, single submitter. Criteria: Myriad Autosomal Dominant, Autosomal Recessive and X-Linked Classification Criteria (2023). Collection method: clinical testing. Allele origin: unknown.
Comment: This variant is considered likely benign. This variant is intronic and is not expected to impact mRNA splicing.